The following is an entry in ClinVar:

ClinVar aggregate classification (germline): Benign/Likely benign. Review status: criteria provided, multiple submitters, no conflicts (2 of 4 stars). 2 submissions from 2 submitters: Benign (1); Likely benign (1). Last evaluated 2024-08-01.

Conditions:
Idiopathic generalized epilepsy. Also called: EIG; Generalised epilepsy. Identifiers: MedGen C0270850, MONDO:0005579, OMIM 600669.
Hyperaldosteronism, familial, type IV (HALD4). Also called: FH IV; ALDOSTERONISM, PRIMARY, AND HYPERTENSION. Identifiers: Orphanet 642671, MedGen C4310756, MONDO:0014875, OMIM 617027.

Allele frequency attached by ClinVar (database versions not stated): gnomAD 0.00001; gnomAD exomes 0.00002 and 0.00003; ExAC 0.00003; TOPMed 0.00003.
gnomAD v4.1: 36 of 1,520,712 alleles (0.0024%); highest among the groups gnomAD compares: East Asian, 0.012%; no homozygotes.

Submissions (2):

CeGaT Center for Human Genetics Tuebingen
Classification: Likely benign. Last evaluated: 2024-08-01. Review status: criteria provided, single submitter. Criteria: CeGaT Center For Human Genetics Tuebingen Variant Classification Criteria Version 2. Collection method: clinical testing. Allele origin: germline. Affected: yes. Observed: 1 variant allele.
Comment: CACNA1H: BP4

Labcorp Genetics (formerly Invitae), Labcorp
Classification: Benign for Idiopathic generalized epilepsy; Hyperaldosteronism, familial, type IV. Last evaluated: 2023-01-31. Review status: criteria provided, single submitter. Criteria: Invitae Variant Classification Sherloc (09022015). Collection method: clinical testing. Allele origin: germline.

NM_021098.3(CACNA1H):c.6248C>T (p.Pro2083Leu)

Gene: CACNA1H (calcium voltage-gated channel subunit alpha1 H; plus strand). Cytogenetic location: 16p13.3.
Variant type: single nucleotide variant.
Coding change: c.6248C>T on transcript NM_021098.3 (MANE Select); coding-DNA position 6248, C replaced by T.
Protein change: p.Pro2083Leu; replaces proline 2083 with leucine.
Molecular consequence: missense variant.
Genome position (GRCh38, 1-based): chr16:1,220,180, C>T. VCF-style: chr16-1220180-C-T. GRCh37 (hg19) VCF-style: chr16-1270180-C-T.
Other names: c.6230C>T, p.Pro2077Leu (NM_001005407.2); short protein forms P2077L, P2083L.
Identifiers: ClinVar variation 834845 (VCV000834845.25), dbSNP rs759924732, ClinGen allele CA7802280.
Genomic context (GRCh38, chr16:1,220,180, plus strand): 5'-GGCCCGCCAGCGTCCGCACTCGTAAGCATACCTTCGGACAGCGCTGCGTCTCCAGCCGGC[C>T]GGCGGCCCCAGGCGGAGAGGAGGCCGAGGCCTCGGACCCAGCCGACGAGGAGGTCAGCCA-3'
Protein context (NP_066921.2, residues 2073-2093): TFGQRCVSSR[Pro2083Leu]AAPGGEEAEA